The following is an entry in ClinVar:

NM_015836.4(WARS2):c.930G>A (p.Val310=)

Gene: WARS2 (tryptophanyl tRNA synthetase 2, mitochondrial; minus strand). Cytogenetic location: 1p12.
Variant type: single nucleotide variant.
Coding change: c.930G>A on transcript NM_015836.4 (MANE Select); coding-DNA position 930, G replaced by A.
Protein change: p.Val310=; no amino-acid change (valine 310 retained).
Molecular consequence: synonymous variant. On other transcripts: 3 prime UTR variant (2).
Genome position (GRCh38, 1-based): chr1:119,033,064, C>T on the plus strand (G>A on the coding strand, the complement: WARS2 is on the minus strand). VCF-style: chr1-119033064-C-T. GRCh37 (hg19) VCF-style: chr1-119575687-C-T.
Other names: c.861G>A, p.Val287= (NM_001378226.1, NM_001378227.1); c.759G>A, p.Val253= (NM_001378228.1); c.672G>A, p.Val224= (NM_001378229.1); c.648G>A, p.Val216= (NM_001378230.1); c.*265G>A (NM_001378231.1); c.*296G>A (NM_201263.2).
Identifiers: ClinVar variation 778236 (VCV000778236.16), dbSNP rs139467678, ClinGen allele CA1035180.
Genomic context (GRCh38, chr1:119,033,064, plus strand): 5'-ATGGTCCTTGTCCAGCTTCAGTTTTTCAATTTCACGCTTAATTGGGGCAAACTTCTCAAT[C>T]ACAGCATCTGCCACGGCCAGCTTGTAGCGAGCAGTGTTCATGCCCGCGCTGCGGCGCACC-3'
Protein context (NP_056651.1, residues 300-320): ARYKLAVADA[Val310=]IEKFAPIKRE

ClinVar aggregate classification (germline): Benign. Review status: criteria provided, multiple submitters, no conflicts (2 of 4 stars). 4 submissions from 4 submitters: Benign (3). 1 of the submissions does not count toward it. Last evaluated 2026-01-24.

Conditions:
WARS2-related disorder. Also called: WARS2-related disorders; WARS2 related condition.

Allele frequency attached by ClinVar (database versions not stated): ESP Exome Variant Server 0.00077; gnomAD exomes 0.00194 and 0.00863; gnomAD 0.00280 and 0.00289; TOPMed 0.00412; 1000 Genomes Project 0.00439; 1000 Genomes Project 30x 0.00500; ExAC 0.00631.
gnomAD v4.1: 3,264 of 1,614,256 alleles (0.2%); highest among the groups gnomAD compares: Admixed American, 4.7%; 101 homozygotes.

Submissions (4):

Labcorp Genetics (formerly Invitae), Labcorp
Classification: Benign. Last evaluated: 2026-01-24. Review status: criteria provided, single submitter. Criteria: Invitae Variant Classification Sherloc (09022015). Collection method: clinical testing. Allele origin: germline.

GeneDx
Classification: Benign. Last evaluated: 2019-11-26. Review status: criteria provided, single submitter. Criteria: GeneDx Variant Classification Process June 2021. Collection method: clinical testing. Allele origin: germline. Affected: yes.

Breakthrough Genomics
Classification: Benign. Review status: criteria provided, single submitter. Criteria: ACMG Guidelines, 2015. Collection method: not provided. Allele origin: germline. Inheritance: Autosomal recessive inheritance. Affected: yes.

PreventionGenetics, part of Exact Sciences
Classification: Benign for WARS2-related condition. Last evaluated: 2019-04-29. Review status: no assertion criteria provided. Collection method: clinical testing. Allele origin: germline. Not counted in ClinVar's aggregate classification.
Comment: This variant is classified as benign based on ACMG/AMP sequence variant interpretation guidelines (Richards et al. 2015 PMID: 25741868, with internal and published modifications).